The following is an entry in ClinVar:

ClinVar aggregate classification (germline): Uncertain significance. Review status: criteria provided, multiple submitters, no conflicts (2 of 4 stars). 2 submissions from 2 submitters: Uncertain significance (2). Last evaluated 2025-11-20.

Conditions:
Inborn genetic diseases. Identifiers: MedGen C0950123, MeSH D030342.
Hereditary spastic paraplegia 64. Also called: Spastic paraplegia 64, autosomal recessive; ENTPD1-Related Neurodevelopmental Disorder. Identifiers: Orphanet 401810, MedGen C3810289, MONDO:0014303, OMIM 615683.

Allele frequency attached by ClinVar (database versions not stated): gnomAD exomes below 0.00001 and 0.00001; ExAC 0.00001; gnomAD 0.00001; TOPMed 0.00001.
gnomAD v4.1: 14 of 1,614,028 alleles (0.00087%); highest among the groups gnomAD compares: Non-Finnish European, 0.0012%; no homozygotes.

Submissions (2):

Ambry Genetics
Classification: Uncertain significance for Inborn genetic diseases. Last evaluated: 2025-11-20. Review status: criteria provided, single submitter. Criteria: Ambry Variant Classification Scheme 2023. Collection method: clinical testing. Allele origin: germline.

Labcorp Genetics (formerly Invitae), Labcorp
Classification: Uncertain significance for Hereditary spastic paraplegia 64. Last evaluated: 2024-10-15. Review status: criteria provided, single submitter. Criteria: Invitae Variant Classification Sherloc (09022015). Collection method: clinical testing. Allele origin: germline.
Comment: This sequence change replaces phenylalanine, which is neutral and non-polar, with serine, which is neutral and polar, at codon 314 of the ENTPD1 protein (p.Phe314Ser). This variant is present in population databases (rs774867224, gnomAD 0.002%). This variant has not been reported in the literature in individuals affected with ENTPD1-related conditions. ClinVar contains an entry for this variant (Variation ID: 1357700). Invitae Evidence Modeling of protein sequence and biophysical properties (such as structural, functional, and spatial information, amino acid conservation, physicochemical variation, residue mobility, and thermodynamic stability) indicates that this missense variant is not expected to disrupt ENTPD1 protein function with a negative predictive value of 80%. In summary, the available evidence is currently insufficient to determine the role of this variant in disease. Therefore, it has been classified as a Variant of Uncertain Significance.

NM_001776.6(ENTPD1):c.941T>C (p.Phe314Ser)

Genes: ENTPD1 (ectonucleoside triphosphate diphosphohydrolase 1; plus strand), ENTPD1-AS1 (ENTPD1 antisense RNA 1; minus strand). Cytogenetic location: 10q24.1.
Variant type: single nucleotide variant.
Coding change: c.941T>C on transcript NM_001776.6 (MANE Select); coding-DNA position 941, T replaced by C.
Protein change: p.Phe314Ser; replaces phenylalanine 314 with serine.
Molecular consequence: missense variant.
Genome position (GRCh38, 1-based): chr10:95,847,573, T>C. VCF-style: chr10-95847573-T-C. GRCh37 (hg19) VCF-style: chr10-97607330-T-C.
Other names: c.962T>C, p.Phe321Ser (NM_001098175.2); c.977T>C, p.Phe326Ser (NM_001164178.1, NM_001320916.1); c.818T>C, p.Phe273Ser (NM_001164179.2); c.617T>C, p.Phe206Ser (NM_001164181.1, NM_001312654.1); c.527T>C, p.Phe176Ser (NM_001164182.2, NM_001164183.2); short protein forms F206S, F273S, F314S, F176S, F321S, F326S.
Identifiers: ClinVar variation 1357700 (VCV001357700.7), dbSNP rs774867224, ClinGen allele CA5621505.